The following is an entry in ClinVar:

ClinVar aggregate classification (germline): Uncertain significance (0 of 4 stars; one submission).

Conditions:
DLC1-related disorder. Also called: DLC1-related condition.

Submission:

PreventionGenetics, part of Exact Sciences
Classification: Uncertain significance for DLC1-related condition. Last evaluated: 2024-02-16. Review status: no assertion criteria provided. Collection method: clinical testing. Allele origin: germline.
Comment: The DLC1 c.1503-2A>C variant is predicted to disrupt the AG splice acceptor site and interfere with normal splicing. To our knowledge, this variant has not been reported in the literature or in a large population database, indicating this variant is rare. In addition, fewer than expected premature-termination variants are documented in DLC1 in gnomAD, suggesting that this variant type is not tolerated. At this time, the clinical significance of this variant is uncertain due to the absence of conclusive functional and genetic evidence.

NM_182643.3(DLC1):c.1503-2A>C

Gene: DLC1 (DLC1 Rho GTPase activating protein; minus strand). Cytogenetic location: 8p22.
Variant type: single nucleotide variant.
Coding change: c.1503-2A>C on transcript NM_182643.3 (MANE Select); the canonical splice acceptor site of the intron before coding-DNA position 1503, A replaced by C.
Molecular consequence: splice acceptor variant. On other transcripts: intron variant (2).
Genome position (GRCh38, 1-based): chr8:13,102,855, T>G on the plus strand (A>C on the coding strand, the complement: DLC1 is on the minus strand). VCF-style: chr8-13102855-T-G. GRCh37 (hg19) VCF-style: chr8-12960364-T-G.
Other names: c.-31-2A>C (NM_001348082.2, NM_001413126.1, NM_001413127.1 and 6 more transcripts); c.1503-2A>C (NM_001348081.2, NM_001413124.1); c.7-2085A>C (NM_001413131.1, NM_001413137.1); c.294-2A>C (NM_001413129.1, NM_001316668.2); c.429-2A>C (NM_001413132.1); c.285-2A>C (NM_001413130.1); c.192-2A>C (NM_001413136.1, NM_001413139.1, NM_001413135.1 and 1 more transcripts); c.327-2A>C (NM_001413140.1).
Identifiers: ClinVar variation 3053208 (VCV003053208.2), dbSNP rs2537106052, ClinGen allele CA370348411.